The following is an entry in ClinVar:

NM_178857.6(RP1L1):c.1451del (p.Ser484fs)

Gene: RP1L1 (RP1 like 1). Cytogenetic location: 8p23.1.
Variant type: Deletion.
Coding change: c.1451del on transcript NM_178857.6 (MANE Select); coding-DNA position 1451, one base deleted.
Protein change: p.Ser484fs; shifts the reading frame from serine 484.
Molecular consequence: frameshift variant.
Genome position: GRCh38 VCF-style: chr8-10612646-GC-G. GRCh37 (hg19) VCF-style: chr8-10470156-GC-G.
Other names: c.1451delG (NM_178857.5); short protein forms S484fs.
Identifiers: ClinVar variation 867066 (VCV000867066.5), dbSNP rs749460193, ClinGen allele CA4625167.

ClinVar aggregate classification (germline): Pathogenic/Likely pathogenic. Review status: criteria provided, multiple submitters, no conflicts (2 of 4 stars). 3 submissions from 3 submitters: Pathogenic (2); Likely pathogenic (1). Last evaluated 2025-04-22.

Conditions:
Retinitis pigmentosa 88. Identifiers: MedGen C5394208, MONDO:0032940, OMIM 618826.
RP1L1-related disorder. Also called: RP1L1-related condition.

Allele frequency attached by ClinVar (database versions not stated): gnomAD exomes below 0.00001 and 0.00008; ExAC 0.00001; gnomAD 0.00004; TOPMed 0.00005.

Submissions (3):

PreventionGenetics, part of Exact Sciences
Classification: Pathogenic for RP1L1-related condition. Last evaluated: 2025-04-22. Review status: criteria provided, single submitter. Criteria: ACMG Guidelines, 2015. Collection method: clinical testing. Allele origin: germline.
Comment: The RP1L1 c.1451delG variant is predicted to result in a frameshift and premature protein termination (p.Ser484Thrfs*6). To our knowledge, this variant has not been reported in the literature. This variant is reported in 0.00093% of alleles in individuals of European (non-Finnish) descent in gnomAD. Frameshift variants in RP1L1 are expected to be pathogenic. This variant is interpreted as pathogenic.

Blueprint Genetics
Classification: Likely pathogenic for RP1L1-related disorders. Last evaluated: 2022-11-09. Review status: criteria provided, single submitter. Criteria: ACMG Guidelines, 2015. Collection method: clinical testing. Allele origin: germline. Affected: yes. Observed: 5 variant alleles.

DBGen Ocular Genomics
Classification: Pathogenic for Retinitis pigmentosa 88. Last evaluated: 2021-06-22. Review status: criteria provided, single submitter. Criteria: ACMG Guidelines, 2015. Collection method: clinical testing. Allele origin: germline. Affected: yes. Observed: 1 variant allele.